The following is an entry in ClinVar:

ClinVar aggregate classification (germline): Uncertain significance (1 of 4 stars; one submission).

Conditions:
Drash syndrome (DDS). Also called: WILMS TUMOR AND PSEUDO- OR TRUE HERMAPHRODITISM; NEPHROPATHY, WILMS TUMOR, AND GENITAL ANOMALIES. Identifiers: Orphanet 220, MedGen C0950121, MONDO:0008682, OMIM 194080.
Wilms tumor 1 (WT1). Also called: Wilms tumor, somatic. Identifiers: Orphanet 654, MedGen CN033288, MONDO:0008679, OMIM 194070.
Frasier syndrome. Identifiers: Orphanet 347, MedGen C0950122, MeSH D052159, MONDO:0007635, OMIM 136680.
11p partial monosomy syndrome (WAGR). Also called: WAGR Complex; WAGR Spectrum Disorder; WAGR syndrome; CHROMOSOME 11p13 DELETION SYNDROME. Identifiers: Orphanet 893, MedGen C0206115, MONDO:0008681, OMIM 194072.

Submission:

Labcorp Genetics (formerly Invitae), Labcorp
Classification: Uncertain significance for Wilms tumor 1; Drash syndrome; 11p partial monosomy syndrome; Frasier syndrome. Last evaluated: 2025-11-10. Review status: criteria provided, single submitter. Criteria: Invitae Variant Classification Sherloc (09022015). Collection method: clinical testing. Allele origin: germline.
Comment: This sequence change replaces serine, which is neutral and polar, with cysteine, which is neutral and slightly polar, at codon 341 of the WT1 protein (p.Ser341Cys). Information on the frequency of this variant in the gnomAD database is not available, as this variant may be reported differently in the database. This variant has not been reported in the literature in individuals affected with WT1-related conditions. ClinVar contains an entry for this variant (Variation ID: 1442038). Experimental studies and prediction algorithms are not available or were not evaluated, and the functional significance of this variant is currently unknown. In summary, the available evidence is currently insufficient to determine the role of this variant in disease. Therefore, it has been classified as a Variant of Uncertain Significance.

NM_024426.6(WT1):c.1035_1036delinsAT (p.Ser346Cys)

Gene: WT1 (WT1 transcription factor; minus strand). Cytogenetic location: 11p13.
Variant type: Indel.
Coding change: c.1035_1036delinsAT on transcript NM_024426.6 (MANE Select); coding-DNA positions 1035 to 1036, GA replaced by AT.
Protein change: p.Ser346Cys; replaces serine 346 with cysteine.
Molecular consequence: missense variant. On other transcripts: 5 prime UTR variant (1), non-coding transcript variant (1).
Genome position (GRCh38, 1-based): chr11:32,400,025-32,400,026, TC replaced by AT on the plus strand (GA replaced by AT on the coding strand, the reverse complement: WT1 is on the minus strand). VCF-style: chr11-32400025-TC-AT. GRCh37 (hg19) VCF-style: chr11-32421571-TC-AT.
Other names: c.984_985delinsAT, p.Ser329Cys (NM_000378.6); c.384_385delGAinsAT, p.Ser129Cys (NM_001198551.2); c.333_334delinsAT, p.Ser112Cys (NM_001198552.2); c.-154_-153delinsAT (NM_001367854.1); c.1029_1030delGAinsAT, p.Ser344Cys (NM_001407044.1); c.984_985delGAinsAT, p.Ser329Cys (NM_001407045.1, NM_001407048.1, NM_001407049.1); c.1035_1036delGAinsAT, p.Ser346Cys (NM_001407046.1); c.912_913delGAinsAT, p.Ser305Cys (NM_001407047.1); and 4 more; short protein forms S129C, S112C, S329C, S346C, S324C, S288C, S305C, S344C.
Identifiers: ClinVar variation 1442038 (VCV001442038.7), dbSNP rs2132958801, ClinGen allele CA2573146222.